The following is an entry in ClinVar:

NM_001042492.3(NF1):c.1539del (p.Lys513fs)

Gene: NF1 (neurofibromin 1; plus strand). Cytogenetic location: 17q11.2.
Variant type: Deletion.
Coding change: c.1539del on transcript NM_001042492.3 (MANE Select); coding-DNA position 1539, one base deleted (A; older notation c.1539delA).
Protein change: p.Lys513fs; shifts the reading frame from lysine 513.
Molecular consequence: frameshift variant.
Genome position (GRCh38, 1-based): chr17:31,219,016, A deleted; the last of 4 consecutive A bases (chr17:31,219,013-31,219,016); deleting any one gives the same sequence. VCF-style (leftmost placement, unchanged base first): chr17-31219012-GA-G. GRCh37 (hg19) VCF-style: chr17-29546030-GA-G.
Other names: c.1539delA, p.Lys513Asnfs (NM_000267.4); c.1539del, p.Lys513fs (NM_001128147.3); short protein forms K513fs.
Identifiers: ClinVar variation 3381994 (VCV003381994.2).

ClinVar aggregate classification (germline): Pathogenic (1 of 4 stars; one submission).

Conditions:
Neurofibromatosis, type 1 (NF1). Also called: Neurofibromatosis, type I; VON RECKLINGHAUSEN DISEASE; NEUROFIBROMATOSIS, TYPE I, SOMATIC; Peripheral type neurofibromatosis. Identifiers: Orphanet 636, MedGen C0027831, MONDO:0018975, OMIM 162200. Disease mechanism: loss of function.

Submission:

Juno Genomics, Hangzhou Juno Genomics, Inc
Classification: Pathogenic for Neurofibromatosis, type 1. Review status: criteria provided, single submitter. Criteria: ACMG Guidelines, 2015. Collection method: clinical testing. Allele origin: germline. Affected: yes.
Comment: Absent from controls (or at extremely low frequency if recessive) in Genome Aggregation Database, Exome Sequencing Project, 1000 Genomes Project, or Exome Aggregation Consortium.;Null variant in a gene where loss of function (LOF) is a known mechanism of disease.;Patient's phenotype or family history is highly specific for a disease with a single genetic etiology.;Assumed de novo, but without confirmation of paternity and maternity.